The following is an entry in ClinVar:

ClinVar aggregate classification (germline): Uncertain significance (1 of 4 stars; one submission).

Conditions:
Spastic paraplegia. Identifiers: MedGen C0037772, HP:0001258.

Allele frequency attached by ClinVar (database versions not stated): gnomAD exomes 0.00001.
gnomAD v4.1: 15 of 1,598,510 alleles (0.00094%); highest among the groups gnomAD compares: Non-Finnish European, 0.0013%; no homozygotes.

Submission:

Labcorp Genetics (formerly Invitae), Labcorp
Classification: Uncertain significance for Spastic paraplegia. Last evaluated: 2024-09-11. Review status: criteria provided, single submitter. Criteria: Invitae Variant Classification Sherloc (09022015). Collection method: clinical testing. Allele origin: germline.
Comment: This sequence change replaces aspartic acid, which is acidic and polar, with asparagine, which is neutral and polar, at codon 433 of the KIF5A protein (p.Asp433Asn). This variant is not present in population databases (gnomAD no frequency). This variant has not been reported in the literature in individuals affected with KIF5A-related conditions. Invitae Evidence Modeling of protein sequence and biophysical properties (such as structural, functional, and spatial information, amino acid conservation, physicochemical variation, residue mobility, and thermodynamic stability) has been performed for this missense variant. However, the output from this modeling did not meet the statistical confidence thresholds required to predict the impact of this variant on KIF5A protein function. In summary, the available evidence is currently insufficient to determine the role of this variant in disease. Therefore, it has been classified as a Variant of Uncertain Significance.

NM_004984.4(KIF5A):c.1297G>A (p.Asp433Asn)

Gene: KIF5A (kinesin family member 5A; plus strand). Cytogenetic location: 12q13.3.
Variant type: single nucleotide variant.
Coding change: c.1297G>A on transcript NM_004984.4 (MANE Select); coding-DNA position 1297, G replaced by A.
Protein change: p.Asp433Asn; replaces aspartic acid 433 with asparagine.
Molecular consequence: missense variant.
Genome position (GRCh38, 1-based): chr12:57,571,324, G>A. VCF-style: chr12-57571324-G-A. GRCh37 (hg19) VCF-style: chr12-57965107-G-A.
Other names: c.1030G>A, p.Asp344Asn (NM_001354705.2); short protein forms D344N, D433N.
Identifiers: ClinVar variation 2786757 (VCV002786757.3), dbSNP rs2540502972, ClinGen allele CA385504782.